The following is an entry in ClinVar:

NM_024426.6(WT1):c.231C>A (p.Asp77Glu)

Genes: WT1 (WT1 transcription factor; minus strand), LOC107982234 (WT1/WT1-AS bi-directional promoter region; plus strand). Cytogenetic location: 11p13.
Variant type: single nucleotide variant.
Coding change: c.231C>A on transcript NM_024426.6 (MANE Select); coding-DNA position 231, C replaced by A.
Protein change: p.Asp77Glu; replaces aspartic acid 77 with glutamic acid.
Molecular consequence: missense variant. On other transcripts: non-coding transcript variant (1).
Genome position (GRCh38, 1-based): chr11:32,435,130, G>T on the plus strand (C>A on the coding strand, the complement: WT1 is on the minus strand). VCF-style: chr11-32435130-G-T. GRCh37 (hg19) VCF-style: chr11-32456676-G-T.
Other names: c.231C>A, p.Asp77Glu (NM_000378.6, NM_024424.5); short protein forms D77E.
Identifiers: ClinVar variation 858711 (VCV000858711.8), dbSNP rs1193574882, ClinGen allele CA379966108.

ClinVar aggregate classification (germline): Uncertain significance. Review status: criteria provided, multiple submitters, no conflicts (2 of 4 stars). 2 submissions from 2 submitters: Uncertain significance (2). Last evaluated 2025-02-06.

Conditions:
Inborn genetic diseases. Identifiers: MedGen C0950123, MeSH D030342.
Drash syndrome (DDS). Also called: NEPHROPATHY, WILMS TUMOR, AND GENITAL ANOMALIES; WILMS TUMOR AND PSEUDO- OR TRUE HERMAPHRODITISM. Identifiers: Orphanet 220, MedGen C0950121, MONDO:0008682, OMIM 194080.
Frasier syndrome. Identifiers: Orphanet 347, MedGen C0950122, MeSH D052159, MONDO:0007635, OMIM 136680.
Wilms tumor 1 (WT1). Also called: Wilms tumor, somatic. Identifiers: Orphanet 654, MedGen CN033288, MONDO:0008679, OMIM 194070.
11p partial monosomy syndrome (WAGR). Also called: WAGR Spectrum Disorder; CHROMOSOME 11p13 DELETION SYNDROME; WAGR Complex; WAGR syndrome. Identifiers: Orphanet 893, MedGen C0206115, MONDO:0008681, OMIM 194072.

Allele frequency attached by ClinVar (database versions not stated): gnomAD exomes below 0.00001; TOPMed below 0.00001; gnomAD 0.00001.
gnomAD v4.1: 3 of 1,517,916 alleles (0.0002%); highest among the groups gnomAD compares: Non-Finnish European, 0.00026%; no homozygotes.

Submissions (2):

Ambry Genetics
Classification: Uncertain significance for Inborn genetic diseases. Last evaluated: 2025-02-06. Review status: criteria provided, single submitter. Criteria: Ambry Variant Classification Scheme 2023. Collection method: clinical testing. Allele origin: germline.
Comment: The p.D72E variant (also known as c.216C>A), located in coding exon 1 of the WT1 gene, results from a C to A substitution at nucleotide position 216. The aspartic acid at codon 72 is replaced by glutamic acid, an amino acid with highly similar properties. This amino acid position is conserved. In addition, this alteration is predicted to be tolerated by in silico analysis. Based on the available evidence, the clinical significance of this variant remains unclear.

Labcorp Genetics (formerly Invitae), Labcorp
Classification: Uncertain significance for Wilms tumor 1; Drash syndrome; 11p partial monosomy syndrome; Frasier syndrome. Last evaluated: 2024-06-14. Review status: criteria provided, single submitter. Criteria: Invitae Variant Classification Sherloc (09022015). Collection method: clinical testing. Allele origin: germline.
Comment: This sequence change replaces aspartic acid, which is acidic and polar, with glutamic acid, which is acidic and polar, at codon 72 of the WT1 protein (p.Asp72Glu). This variant is not present in population databases (gnomAD no frequency). This variant has not been reported in the literature in individuals affected with WT1-related conditions. ClinVar contains an entry for this variant (Variation ID: 858711). An algorithm developed to predict the effect of missense changes on protein structure and function (PolyPhen-2) suggests that this variant is likely to be disruptive. In summary, the available evidence is currently insufficient to determine the role of this variant in disease. Therefore, it has been classified as a Variant of Uncertain Significance.